The following is an entry in ClinVar:

ClinVar aggregate classification (germline): Likely pathogenic. Review status: criteria provided, multiple submitters, no conflicts (2 of 4 stars). 2 submissions from 2 submitters: Likely pathogenic (2). Last evaluated 2024-05-01.

Conditions:
Transient bullous dermolysis of the newborn (TBDN). Also called: EPIDERMOLYSIS BULLOSA DYSTROPHICA, NEONATAL FORM; DYSTROPHIC EPIDERMOLYSIS BULLOSA, NEONATAL. Identifiers: Orphanet 79411, MedGen C1851573, MONDO:0007548, OMIM 131705.
Generalized dominant dystrophic epidermolysis bullosa (DDEB). Also called: DDEB, generalized; DDEB-gen; DYSTROPHIC EPIDERMOLYSIS BULLOSA, AUTOSOMAL DOMINANT; Epidermolysis bullosa dystrophica, autosomal dominant; Dominant DEB (DDEB). Identifiers: Orphanet 231568, MedGen C0432322, MONDO:0007549, OMIM 131750.
Epidermolysis bullosa pruriginosa. Also called: DEB, PRURIGINOSA; DYSTROPHIC EPIDERMOLYSIS BULLOSA PRURIGINOSA. Identifiers: Orphanet 89843, MedGen C1275114, MONDO:0011398, OMIM 604129.
Recessive dystrophic epidermolysis bullosa (RDEB). Also called: DYSTROPHIC EPIDERMOLYSIS BULLOSA, AUTOSOMAL RECESSIVE; EPIDERMOLYSIS BULLOSA DYSTROPHICA, HALLOPEAU-SIEMENS TYPE; severe generalized recessive dystrophic epidermolysis bullosa; Epidermolysis Bullosa Distrophica Autosomal Recessive (RDEB); EPIDERMOLYSIS BULLOSA DYSTROPHICA, GENERALIZED SEVERE, AUTOSOMAL RECESSIVE; epidermolysis bullosa dystrophica, autosomal recessive. Identifiers: Orphanet 79408, Orphanet 79409, MedGen C0079474, MONDO:0009179, OMIM 226600.
Pretibial dystrophic epidermolysis bullosa. Also called: EPIDERMOLYSIS BULLOSA DYSTROPHICA, PRETIBIAL; Pretibial epidermolysis bullosa; Pretibial blistering. Identifiers: Orphanet 79410, MedGen C0432321, MONDO:0007552, OMIM 131850, HP:0012221.
Dominant dystrophic epidermolysis bullosa with absence of skin. Also called: EPIDERMOLYSIS BULLOSA WITH CONGENITAL LOCALIZED ABSENCE OF SKIN AND DEFORMITY OF NAILS; EPIDERMOLYSIS BULLOSA DYSTROPHICA, BART TYPE. Identifiers: MedGen C0268371, MONDO:0007557, OMIM 132000.
Nonsyndromic congenital nail disorder 8. Also called: TOENAIL DYSTROPHY, ISOLATED. Identifiers: MedGen C1843761, MONDO:0011852, OMIM 607523.

Submissions (2):

Fulgent Genetics
Classification: Likely pathogenic for Transient bullous dermolysis of the newborn; Generalized dominant dystrophic epidermolysis bullosa; Pretibial dystrophic epidermolysis bullosa; Dominant dystrophic epidermolysis bullosa with absence of skin; Recessive dystrophic epidermolysis bullosa; Epidermolysis bullosa pruriginosa; Nonsyndromic congenital nail disorder 8. Last evaluated: 2024-05-01. Review status: criteria provided, single submitter. Criteria: ACMG Guidelines, 2015. Collection method: clinical testing. Allele origin: germline.

Labcorp Genetics (formerly Invitae), Labcorp
Classification: Likely pathogenic. Last evaluated: 2023-07-31. Review status: criteria provided, single submitter. Criteria: Invitae Variant Classification Sherloc (09022015). Collection method: clinical testing. Allele origin: germline.
Comment: This variant has not been reported in the literature in individuals affected with COL7A1-related conditions. ClinVar contains an entry for this variant (Variation ID: 935253). Algorithms developed to predict the effect of sequence changes on RNA splicing suggest that this variant may disrupt the consensus splice site. In summary, the currently available evidence indicates that the variant is pathogenic, but additional data are needed to prove that conclusively. Therefore, this variant has been classified as Likely Pathogenic. This sequence change affects an acceptor splice site in intron 42 of the COL7A1 gene. It is expected to disrupt RNA splicing. Variants that disrupt the donor or acceptor splice site typically lead to a loss of protein function (PMID: 16199547), and loss-of-function variants in COL7A1 are known to be pathogenic (PMID: 16971478). This variant is not present in population databases (gnomAD no frequency).

Literature cited by the submitters: PubMed 16199547 (cited by Labcorp Genetics (formerly Invitae), Labcorp); PubMed 16971478 (cited by Labcorp Genetics (formerly Invitae), Labcorp).

NM_000094.4(COL7A1):c.4483-1G>A

Gene: COL7A1 (collagen type VII alpha 1 chain; minus strand). Cytogenetic location: 3p21.31.
Variant type: single nucleotide variant.
Coding change: c.4483-1G>A on transcript NM_000094.4 (MANE Select); the canonical splice acceptor site of the intron before coding-DNA position 4483, G replaced by A.
Molecular consequence: splice acceptor variant.
Genome position (GRCh38, 1-based): chr3:48,583,049, C>T on the plus strand (G>A on the coding strand, the complement: COL7A1 is on the minus strand). VCF-style: chr3-48583049-C-T. GRCh37 (hg19) VCF-style: chr3-48620482-C-T.
Identifiers: ClinVar variation 935253 (VCV000935253.8), dbSNP rs2044891130, ClinGen allele CA352690830.
Genomic context (GRCh38, chr3:48,583,049, plus strand): 5'-GAGCATTGCAGCCAGTGGGTTTACCCGGGATCCCGCTGGGCCTGGGGGTCCACGTTCGCC[C>T]TGATGGAAAAGAAGAGGTCAGAGCTGAGTTGGGCCCAGATCCTCCAGGGCCCTTGGCACC-3'